The following is an entry in ClinVar:

NM_004714.3(DYRK1B):c.1181C>T (p.Pro394Leu)

Gene: DYRK1B (dual specificity tyrosine phosphorylation regulated kinase 1B; minus strand). Cytogenetic location: 19q13.2.
Variant type: single nucleotide variant.
Coding change: c.1181C>T on transcript NM_004714.3 (MANE Select); coding-DNA position 1181, C replaced by T.
Protein change: p.Pro394Leu; replaces proline 394 with leucine.
Molecular consequence: missense variant. On other transcripts: intron variant (2).
Genome position (GRCh38, 1-based): chr19:39,826,902, G>A on the plus strand (C>T on the coding strand, the complement: DYRK1B is on the minus strand). VCF-style: chr19-39826902-G-A. GRCh37 (hg19) VCF-style: chr19-40317542-G-A.
Other names: c.1096-35C>T (NM_006483.3); c.1132-35C>T (NM_006484.3); c.1181C>T (NM_004714.2); short protein forms P394L.
Identifiers: ClinVar variation 1285475 (VCV001285475.2), dbSNP rs893357514, ClinGen allele CA308297622.

ClinVar aggregate classification (germline): Uncertain significance. Review status: criteria provided, single submitter (1 of 4 stars). 2 submissions from 2 submitters: Uncertain significance (1). 1 of the submissions does not count toward it. Last evaluated 2020-12-04.

Conditions:
DYRK1B-related disorder. Also called: DYRK1B-related condition.
Abdominal obesity-metabolic syndrome 3 (AOMS3). Also called: CENTRAL OBESITY, TYPE 2 DIABETES, HYPERTENSION, AND EARLY-ONSET CORONARY ARTERY DISEASE. Identifiers: MedGen C4014361, MONDO:0014352, OMIM 615812.

Allele frequency attached by ClinVar (database versions not stated): gnomAD exomes 0.00007.

Submissions (2):

Institute of Human Genetics, University of Leipzig Medical Center
Classification: Uncertain significance for Abdominal obesity-metabolic syndrome 3. Last evaluated: 2020-12-04. Review status: criteria provided, single submitter. Criteria: ACMG Guidelines, 2015. Collection method: clinical testing. Allele origin: unknown. Affected: yes.

PreventionGenetics, part of Exact Sciences
Classification: Uncertain significance for DYRK1B-related condition. Last evaluated: 2024-07-30. Review status: no assertion criteria provided. Collection method: clinical testing. Allele origin: germline. Not counted in ClinVar's aggregate classification.
Comment: The DYRK1B c.1181C>T variant is predicted to result in the amino acid substitution p.Pro394Leu. To our knowledge, this variant has not been reported in the literature. This variant is reported in 0.092% of alleles in individuals of African descent in gnomAD. Although we suspect that this variant may be benign, at this time, the clinical significance of this variant is uncertain due to the absence of conclusive functional and genetic evidence.